The following is an entry in ClinVar:

NM_001042492.3(NF1):c.4836-1G>A

Gene: NF1 (neurofibromin 1; plus strand). Cytogenetic location: 17q11.2.
Variant type: single nucleotide variant.
Coding change: c.4836-1G>A on transcript NM_001042492.3 (MANE Select); the canonical splice acceptor site of the intron before coding-DNA position 4836, G replaced by A.
Molecular consequence: splice acceptor variant.
Genome position (GRCh38, 1-based): chr17:31,325,819, G>A. VCF-style: chr17-31325819-G-A. GRCh37 (hg19) VCF-style: chr17-29652837-G-A.
Other names: c.4773-1G>A (NM_000267.4).
Identifiers: ClinVar variation 373285 (VCV000373285.12), dbSNP rs1057518326, ClinGen allele CA16043023.

ClinVar aggregate classification (germline): Pathogenic/Likely pathogenic. Review status: criteria provided, multiple submitters, no conflicts (2 of 4 stars). 7 submissions from 7 submitters: Pathogenic (3); Likely pathogenic (3). 1 of the submissions does not count toward it. Last evaluated 2025-05-27.

Conditions:
Hereditary cancer-predisposing syndrome. Also called: Tumor predisposition; Hereditary Cancer Syndrome; Hereditary neoplastic syndrome; Neoplastic Syndromes, Hereditary. Identifiers: Orphanet 140162, MedGen C0027672, MeSH D009386, MONDO:0015356.
Cardiovascular phenotype. Identifiers: MedGen CN230736.
Neurofibromatosis, type 1 (NF1). Also called: NEUROFIBROMATOSIS, TYPE I, SOMATIC; VON RECKLINGHAUSEN DISEASE; Peripheral type neurofibromatosis; Neurofibromatosis, type I. Identifiers: Orphanet 636, MedGen C0027831, MONDO:0018975, OMIM 162200. Disease mechanism: loss of function.

Submissions (7):

Labcorp Genetics (formerly Invitae), Labcorp
Classification: Pathogenic for Neurofibromatosis, type 1. Last evaluated: 2025-05-27. Review status: criteria provided, single submitter. Criteria: Invitae Variant Classification Sherloc (09022015). Collection method: clinical testing. Allele origin: germline.
Comment: This sequence change affects an acceptor splice site in intron 35 of the NF1 gene. It is expected to disrupt RNA splicing. Variants that disrupt the donor or acceptor splice site typically lead to a loss of protein function (PMID: 16199547), and loss-of-function variants in NF1 are known to be pathogenic (PMID: 10712197, 23913538). This variant is not present in population databases (gnomAD no frequency). Disruption of this splice site has been observed in individuals with neurofibromatosis type 1 (PMID: 27074763; internal data). ClinVar contains an entry for this variant (Variation ID: 373285). Algorithms developed to predict the effect of sequence changes on RNA splicing suggest that this variant may disrupt the consensus splice site. For these reasons, this variant has been classified as Pathogenic.

Ambry Genetics
Classification: Likely pathogenic for Cardiovascular phenotype; Hereditary cancer-predisposing syndrome. Last evaluated: 2025-01-31. Review status: criteria provided, single submitter. Criteria: Ambry Variant Classification Scheme 2023. Collection method: clinical testing. Allele origin: germline.
Comment: The c.4773-1G>A intronic variant results from a G to A substitution one nucleotide upstream from coding exon 36 of the NF1 gene. This variant was reported in individual(s) with features consistent with Neurofibromatosis type 1 (Jang MA et al. J Hum Genet, 2016 Aug;61:705-9; Ambry internal data). This variant is considered to be rare based on population cohorts in the Genome Aggregation Database (gnomAD). This nucleotide position is highly conserved in available vertebrate species. In silico splice site analysis predicts that this alteration will weaken the native splice acceptor site and will result in the creation or strengthening of a novel splice acceptor site; however, direct evidence is insufficient at this time (Ambry internal data). Alterations that disrupt the canonical splice site are expected to cause aberrant splicing, resulting in an abnormal protein or a transcript that is subject to nonsense-mediated mRNA decay. As such, this alteration is classified as likely pathogenic.

Revvity Omics, Revvity
Classification: Likely pathogenic. Last evaluated: 2023-01-30. Review status: criteria provided, single submitter. Criteria: ACMG Guidelines, 2015. Collection method: clinical testing. Allele origin: germline.

GeneDx
Classification: Pathogenic. Last evaluated: 2022-10-27. Review status: criteria provided, single submitter. Criteria: GeneDx Variant Classification Process June 2021. Collection method: clinical testing. Allele origin: germline. Affected: yes.
Comment: Canonical splice site variant predicted to result in a null allele in a gene for which loss of function is a known mechanism of disease; Not observed at significant frequency in large population cohorts (gnomAD); Also known as c.4836-1G>A; This variant is associated with the following publications: (PMID: 33953802, 27074763)

Genome-Nilou Lab
Classification: Pathogenic for Neurofibromatosis, type 1. Last evaluated: 2022-03-15. Review status: criteria provided, single submitter. Criteria: ACMG Guidelines, 2015. Collection method: clinical testing. Allele origin: germline. Affected: no.

Center for Human Genetics, Inc
Classification: Likely pathogenic for Neurofibromatosis, type 1. Last evaluated: 2016-11-01. Review status: criteria provided, single submitter. Criteria: ACMG Guidelines, 2015. Collection method: clinical testing. Allele origin: germline. Affected: yes.

Medical Genetics, University of Parma
Classification: Likely pathogenic for Neurofibromatosis type 1. Last evaluated: 2017-02-02. Review status: no assertion criteria provided. Collection method: clinical testing. Allele origin: germline. Affected: yes. Not counted in ClinVar's aggregate classification.

Literature cited by the submitters: PubMed 16199547 (cited by Labcorp Genetics (formerly Invitae), Labcorp); PubMed 10712197 (cited by Labcorp Genetics (formerly Invitae), Labcorp); PubMed 23913538 (cited by Labcorp Genetics (formerly Invitae), Labcorp); PubMed 27074763 (cited by Labcorp Genetics (formerly Invitae), Labcorp and Ambry Genetics).